The following is an entry in ClinVar:

NM_003000.3(SDHB):c.152A>C (p.Lys51Thr)

Gene: SDHB (succinate dehydrogenase complex iron sulfur subunit B; minus strand). Cytogenetic location: 1p36.13.
Variant type: single nucleotide variant.
Coding change: c.152A>C on transcript NM_003000.3 (MANE Select); coding-DNA position 152, A replaced by C.
Protein change: p.Lys51Thr; replaces lysine 51 with threonine.
Molecular consequence: missense variant.
Genome position (GRCh38, 1-based): chr1:17,044,809, T>G on the plus strand (A>C on the coding strand, the complement: SDHB is on the minus strand). VCF-style: chr1-17044809-T-G. GRCh37 (hg19) VCF-style: chr1-17371304-T-G.
Other names: short protein forms K51T.
Identifiers: ClinVar variation 1427491 (VCV001427491.6), dbSNP rs2101541430, ClinGen allele CA338227977.

ClinVar aggregate classification (germline): Uncertain significance (1 of 4 stars; one submission).

Conditions:
Pheochromocytoma. Also called: MAX-Related Hereditary Paraganglioma-Pheochromocytoma Syndrome. Identifiers: Orphanet 29072, MedGen C0031511, MONDO:0008233, OMIM 171300, HP:0002666.
Pheochromocytoma/paraganglioma syndrome 4. Also called: CAROTID BODY TUMORS AND MULTIPLE EXTRAADRENAL PHEOCHROMOCYTOMAS; PARAGANGLIOMA, FAMILIAL MALIGNANT; PARAGANGLIOMAS, HEREDITARY EXTRAADRENAL; PHEOCHROMOCYTOMA, FAMILIAL EXTRAADRENAL; Paragangliomas 4; SDHB-Related Hereditary Paraganglioma-Pheochromocytoma Syndrome (Paragangliomas 4). Identifiers: Orphanet 29072, MedGen C1861848, MONDO:0007273, OMIM 115310.
Gastrointestinal stromal tumor. Also called: Gastrointestinal stroma tumor; Gastrointestinal stromal tumor, somatic. Identifiers: Orphanet 44890, MedGen C0238198, MeSH D046152, MONDO:0011719, OMIM 606764, HP:0100723.

Submission:

Labcorp Genetics (formerly Invitae), Labcorp
Classification: Uncertain significance for Gastrointestinal stromal tumor; Pheochromocytoma/paraganglioma syndrome 4; Pheochromocytoma. Last evaluated: 2021-09-20. Review status: criteria provided, single submitter. Criteria: Invitae Variant Classification Sherloc (09022015). Collection method: clinical testing. Allele origin: germline.
Comment: This variant has not been reported in the literature in individuals affected with SDHB-related conditions. This sequence change replaces lysine with threonine at codon 51 of the SDHB protein (p.Lys51Thr). The lysine residue is moderately conserved and there is a moderate physicochemical difference between lysine and threonine. This variant is not present in population databases (ExAC no frequency). Advanced modeling of protein sequence and biophysical properties (such as structural, functional, and spatial information, amino acid conservation, physicochemical variation, residue mobility, and thermodynamic stability) performed at Invitae indicates that this missense variant is not expected to disrupt SDHB protein function. In summary, the available evidence is currently insufficient to determine the role of this variant in disease. Therefore, it has been classified as a Variant of Uncertain Significance.